The following is an entry in ClinVar:

NM_174936.4(PCSK9):c.*1148T>C

Gene: PCSK9 (proprotein convertase subtilisin/kexin type 9; plus strand). Cytogenetic location: 1p32.3.
Variant type: single nucleotide variant.
Coding change: c.*1148T>C on transcript NM_174936.4 (MANE Select); 1148 bases downstream of the stop codon, T replaced by C.
Molecular consequence: 3 prime UTR variant. On other transcripts: non-coding transcript variant (8).
Genome position (GRCh38, 1-based): chr1:55,064,732, T>C. VCF-style: chr1-55064732-T-C. GRCh37 (hg19) VCF-style: chr1-55530405-T-C.
Other names: c.*1148T>C (NM_001407240.1, NM_001407241.1, NM_001407242.1 and 5 more transcripts).
Identifiers: ClinVar variation 3603023 (VCV003603023.1).

ClinVar aggregate classification (germline): Uncertain significance (1 of 4 stars; one submission).

Submission:

GeneDx
Classification: Uncertain significance. Last evaluated: 2024-08-07. Review status: criteria provided, single submitter. Criteria: GeneDx Variant Classification Process June 2021. Collection method: clinical testing. Allele origin: germline. Affected: yes.
Comment: Reported among a cohort of individuals with FH (PMID: 37217153); Not observed at significant frequency in large population cohorts (gnomAD); Nucleotide is not conserved across species and the substitution has no predicted effect on splicing; This variant is associated with the following publications: (PMID: 37217153)